The following is an entry in ClinVar:

ClinVar aggregate classification (germline): Pathogenic (1 of 4 stars; one submission).

Conditions:
Primary ciliary dyskinesia. Also called: Ciliary dyskinesia. Identifiers: Orphanet 244, MedGen C0008780, MONDO:0016575, HP:0012265.

Submission:

Labcorp Genetics (formerly Invitae), Labcorp
Classification: Pathogenic for Primary ciliary dyskinesia. Last evaluated: 2023-08-23. Review status: criteria provided, single submitter. Criteria: Invitae Variant Classification Sherloc (09022015). Collection method: clinical testing. Allele origin: germline.
Comment: This sequence change creates a premature translational stop signal (p.Trp453*) in the DNAH11 gene. It is expected to result in an absent or disrupted protein product. Loss-of-function variants in DNAH11 are known to be pathogenic (PMID: 18022865, 20513915, 22184204). This variant is not present in population databases (gnomAD no frequency). This variant has not been reported in the literature in individuals affected with DNAH11-related conditions. ClinVar contains an entry for this variant (Variation ID: 838553). For these reasons, this variant has been classified as Pathogenic.

Literature cited by the submitters: PubMed 18022865; PubMed 20513915; PubMed 22184204.

NM_001277115.2(DNAH11):c.1358G>A (p.Trp453Ter)

Gene: DNAH11 (dynein axonemal heavy chain 11; plus strand). Cytogenetic location: 7p15.3.
Variant type: single nucleotide variant.
Coding change: c.1358G>A on transcript NM_001277115.2 (MANE Select); coding-DNA position 1358, G replaced by A.
Protein change: p.Trp453Ter; replaces tryptophan 453 with a stop codon.
Molecular consequence: nonsense.
Genome position (GRCh38, 1-based): chr7:21,570,232, G>A. VCF-style: chr7-21570232-G-A. GRCh37 (hg19) VCF-style: chr7-21609850-G-A.
Other names: short protein forms W453*.
Identifiers: ClinVar variation 838553 (VCV000838553.16), dbSNP rs749372718, ClinGen allele CA366935039.
Genomic context (GRCh38, chr7:21,570,232, plus strand): 5'-CCTTTTTCAACTATAGAAAAAAATTGGCAAGCTACTTTATGGGAAGAAAGCTGAGACCAT[G>A]GGATTTCCAGTCTCATCTGGTGTTTTGCAGATTTGACAAGTTTCTTGATCGTTTAATAAA-3'